The following is an entry in ClinVar:

NM_182961.4(SYNE1):c.9835G>A (p.Val3279Ile)

Gene: SYNE1 (spectrin repeat containing nuclear envelope protein 1; minus strand). Cytogenetic location: 6q25.2.
Variant type: single nucleotide variant.
Coding change: c.9835G>A on transcript NM_182961.4 (MANE Select); coding-DNA position 9835, G replaced by A.
Protein change: p.Val3279Ile; replaces valine 3279 with isoleucine.
Molecular consequence: missense variant.
Genome position (GRCh38, 1-based): chr6:152,367,355, C>T on the plus strand (G>A on the coding strand, the complement: SYNE1 is on the minus strand). VCF-style: chr6-152367355-C-T. GRCh37 (hg19) VCF-style: chr6-152688490-C-T.
Other names: c.9856G>A, p.Val3286Ile (NM_033071.5); c.9856G>A (NM_033071.3); short protein forms V3279I, V3286I.
Identifiers: ClinVar variation 1478141 (VCV001478141.8), dbSNP rs762807112, ClinGen allele CA4057173.
Genomic context (GRCh38, chr6:152,367,355, plus strand): 5'-CATCCGTCATCCAGTCTTGTAATTCTTTAATCCCAAGAGAGAACTGATTGTGTTCTGCAA[C>T]GATTCTATCCAGTCTTGACACTTTCTCCTGGAAATGACAGAAATGGTTTTCGAGCTGTCC-3'
Protein context (NP_892006.3, residues 3269-3289): KEKVSRLDRI[Val3279Ile]AEHNQFSLGI

ClinVar aggregate classification (germline): Uncertain significance. Review status: criteria provided, multiple submitters, no conflicts (2 of 4 stars). 3 submissions from 3 submitters: Uncertain significance (3). Last evaluated 2024-09-22.

Conditions:
Autosomal recessive ataxia, Beauce type. Also called: SYNE1-Related Autosomal Recessive Cerebellar Ataxia; Spinocerebellar ataxia, autosomal recessive 8; ATAXIA, RECESSIVE, OF BEAUCE; SYNE1 Deficiency. Identifiers: Orphanet 88644, MedGen C1853116, MONDO:0012549, OMIM 610743.
Emery-Dreifuss muscular dystrophy 4, autosomal dominant (EDMD4). Also called: EMERY-DREIFUSS MUSCULAR DYSTROPHY 4 WITH VARIABLE FEATURES. Identifiers: Orphanet 261, MedGen C2751807, MONDO:0013071, OMIM 612998.

Allele frequency attached by ClinVar (database versions not stated): TOPMed 0.00001; gnomAD 0.00002; gnomAD exomes 0.00002 and 0.00004; ExAC 0.00005.
gnomAD v4.1: 39 of 1,613,986 alleles (0.0024%); highest among the groups gnomAD compares: South Asian, 0.0077%; no homozygotes.

Submissions (3):

Revvity Omics, Revvity
Classification: Uncertain significance. Last evaluated: 2024-09-22. Review status: criteria provided, single submitter. Criteria: ACMG Guidelines, 2015. Collection method: clinical testing. Allele origin: germline.

Labcorp Genetics (formerly Invitae), Labcorp
Classification: Uncertain significance for Emery-Dreifuss muscular dystrophy 4, autosomal dominant; Autosomal recessive ataxia, Beauce type. Last evaluated: 2022-10-17. Review status: criteria provided, single submitter. Criteria: Invitae Variant Classification Sherloc (09022015). Collection method: clinical testing. Allele origin: germline.
Comment: In summary, the available evidence is currently insufficient to determine the role of this variant in disease. Therefore, it has been classified as a Variant of Uncertain Significance. Algorithms developed to predict the effect of missense changes on protein structure and function (SIFT, PolyPhen-2, Align-GVGD) all suggest that this variant is likely to be tolerated. ClinVar contains an entry for this variant (Variation ID: 1478141). This variant has not been reported in the literature in individuals affected with SYNE1-related conditions. This variant is present in population databases (rs762807112, gnomAD 0.02%). This sequence change replaces valine, which is neutral and non-polar, with isoleucine, which is neutral and non-polar, at codon 3286 of the SYNE1 protein (p.Val3286Ile).

Breakthrough Genomics
Classification: Uncertain significance. Review status: criteria provided, single submitter. Criteria: ACMG Guidelines, 2015. Collection method: not provided. Allele origin: germline. Inheritance: Autosomal recessive inheritance. Affected: yes.